The following is an entry in ClinVar:

ClinVar aggregate classification (germline): Benign/Likely benign. Review status: criteria provided, multiple submitters, no conflicts (2 of 4 stars). 6 submissions from 6 submitters: Benign (2); Likely benign (1). 3 of the submissions do not count toward it. Last evaluated 2026-01-26.

Conditions:
TMC8-related disorder. Also called: TMC8-related condition.
Epidermodysplasia verruciformis. Identifiers: Orphanet 302, MedGen C0014522, MONDO:0009176.

Allele frequency attached by ClinVar (database versions not stated): ExAC 0.00031; gnomAD exomes 0.00064 and 0.00135; 1000 Genomes Project 30x 0.00484; TOPMed 0.00667; gnomAD 0.00640 and 0.00595; 1000 Genomes Project 0.00459.
gnomAD v4.1: 1,848 of 1,532,924 alleles (0.12%); highest among the groups gnomAD compares: African/African-American, 2.1%; 20 homozygotes.

Submissions (6):

Labcorp Genetics (formerly Invitae), Labcorp
Classification: Benign for Epidermodysplasia verruciformis. Last evaluated: 2026-01-26. Review status: criteria provided, single submitter. Criteria: Invitae Variant Classification Sherloc (09022015). Collection method: clinical testing. Allele origin: germline.

Blueprint Genetics
Classification: Likely benign. Last evaluated: 2024-11-14. Review status: criteria provided, single submitter. Criteria: ACMG Guidelines, 2015. Collection method: clinical testing. Allele origin: germline.

Breakthrough Genomics
Classification: Benign. Review status: criteria provided, single submitter. Criteria: ACMG Guidelines, 2015. Collection method: not provided. Allele origin: germline. Inheritance: Autosomal recessive inheritance. Affected: yes.

PreventionGenetics, part of Exact Sciences
Classification: Benign for TMC8-related condition. Last evaluated: 2024-01-19. Review status: no assertion criteria provided. Collection method: clinical testing. Allele origin: germline. Not counted in ClinVar's aggregate classification.
Comment: This variant is classified as benign based on ACMG/AMP sequence variant interpretation guidelines (Richards et al. 2015 PMID: 25741868, with internal and published modifications).

Clinical Genetics DNA and cytogenetics Diagnostics Lab, Erasmus MC, Erasmus Medical Center
Classification: Benign. Review status: no assertion criteria provided. Collection method: clinical testing. Allele origin: germline. Affected: yes. Study: VKGL Data-share Consensus. Not counted in ClinVar's aggregate classification.

Genome Diagnostics Laboratory, University Medical Center Utrecht
Classification: Likely benign. Review status: no assertion criteria provided. Collection method: clinical testing. Allele origin: germline. Affected: yes. Study: VKGL Data-share Consensus. Not counted in ClinVar's aggregate classification.

NM_152468.5(TMC8):c.279G>A (p.Gly93=)

Genes: TMC6 (transmembrane channel like 6; minus strand), TMC8 (transmembrane channel like 8; plus strand). Cytogenetic location: 17q25.3.
Variant type: single nucleotide variant.
Coding change: c.279G>A on transcript NM_152468.5 (MANE Select); coding-DNA position 279, G replaced by A.
Protein change: p.Gly93=; no amino-acid change (glycine 93 retained).
Molecular consequence: synonymous variant. On other transcripts: intron variant (1).
Genome position (GRCh38, 1-based): chr17:78,132,011, G>A. VCF-style: chr17-78132011-G-A. GRCh37 (hg19) VCF-style: chr17-76128092-G-A.
Other names: c.-75+330C>T (NM_007267.7).
Identifiers: ClinVar variation 791676 (VCV000791676.17), dbSNP rs201749146, ClinGen allele CA8796377.